The following is an entry in ClinVar:

NM_033109.5(PNPT1):c.1738+6C>T

Gene: PNPT1 (polyribonucleotide nucleotidyltransferase 1; minus strand). Cytogenetic location: 2p16.1.
Variant type: single nucleotide variant.
Coding change: c.1738+6C>T on transcript NM_033109.5 (MANE Select); 6 bases into the intron after coding-DNA position 1738, C replaced by T.
Molecular consequence: intron variant.
Genome position (GRCh38, 1-based): chr2:55,646,253, G>A on the plus strand (C>T on the coding strand, the complement: PNPT1 is on the minus strand). VCF-style: chr2-55646253-G-A. GRCh37 (hg19) VCF-style: chr2-55873388-G-A.
Identifiers: ClinVar variation 1465477 (VCV001465477.6), dbSNP rs2104034609, ClinGen allele CA2573135046.

ClinVar aggregate classification (germline): Uncertain significance (1 of 4 stars; one submission).

Submission:

Labcorp Genetics (formerly Invitae), Labcorp
Classification: Uncertain significance. Last evaluated: 2022-07-19. Review status: criteria provided, single submitter. Criteria: Invitae Variant Classification Sherloc (09022015). Collection method: clinical testing. Allele origin: germline.
Comment: In summary, the available evidence is currently insufficient to determine the role of this variant in disease. Therefore, it has been classified as a Variant of Uncertain Significance. Variants that disrupt the consensus splice site are a relatively common cause of aberrant splicing (PMID: 17576681, 9536098). Algorithms developed to predict the effect of sequence changes on RNA splicing suggest that this variant is not likely to affect RNA splicing. ClinVar contains an entry for this variant (Variation ID: 1465477). This variant has not been reported in the literature in individuals affected with PNPT1-related conditions. This variant is not present in population databases (gnomAD no frequency). This sequence change falls in intron 21 of the PNPT1 gene. It does not directly change the encoded amino acid sequence of the PNPT1 protein. It affects a nucleotide within the consensus splice site.

Literature cited by the submitters: PubMed 17576681; PubMed 9536098.